The following is an entry in ClinVar:

NM_001868.4(CPA1):c.670G>T (p.Asp224Tyr)

Gene: CPA1 (carboxypeptidase A1; plus strand). Cytogenetic location: 7q32.2.
Variant type: single nucleotide variant.
Coding change: c.670G>T on transcript NM_001868.4 (MANE Select); coding-DNA position 670, G replaced by T.
Protein change: p.Asp224Tyr; replaces aspartic acid 224 with tyrosine.
Molecular consequence: missense variant.
Genome position (GRCh38, 1-based): chr7:130,383,768, G>T. VCF-style: chr7-130383768-G-T. GRCh37 (hg19) VCF-style: chr7-130023609-G-T.
Other names: short protein forms D224Y.
Identifiers: ClinVar variation 4006060 (VCV004006060.1).

ClinVar aggregate classification (germline): Uncertain significance (1 of 4 stars; one submission).

Conditions:
Hereditary pancreatitis (PCTT). Also called: Hereditary chronic pancreatitis; PRSS1-Related Hereditary Pancreatitis. Identifiers: Orphanet 676, MedGen C0238339, MONDO:0008185, OMIM 167800.

Submission:

Ambry Genetics
Classification: Uncertain significance for Hereditary pancreatitis. Last evaluated: 2025-05-23. Review status: criteria provided, single submitter. Criteria: Ambry Variant Classification Scheme 2023. Collection method: clinical testing. Allele origin: germline.
Comment: The p.D224Y variant (also known as c.670G>T), located in coding exon 6 of the CPA1 gene, results from a G to T substitution at nucleotide position 670. The aspartic acid at codon 224 is replaced by tyrosine, an amino acid with highly dissimilar properties. This amino acid position is conserved. In addition, this alteration is predicted to be deleterious by in silico analysis. Based on the available evidence, the clinical significance of this variant remains unclear.